The following is an entry in ClinVar:

ClinVar aggregate classification (germline): Uncertain significance (1 of 4 stars; one submission).

Allele frequency attached by ClinVar (database versions not stated): TOPMed below 0.00001; gnomAD 0.00001; gnomAD exomes 0.00001.
gnomAD v4.1: 7 of 1,613,520 alleles (0.00043%); highest among the groups gnomAD compares: Non-Finnish European, 0.00042%; no homozygotes.

Submission:

Labcorp Genetics (formerly Invitae), Labcorp
Classification: Uncertain significance. Last evaluated: 2022-09-01. Review status: criteria provided, single submitter. Criteria: Invitae Variant Classification Sherloc (09022015). Collection method: clinical testing. Allele origin: germline.
Comment: This variant has not been reported in the literature in individuals affected with ANK3-related conditions. Algorithms developed to predict the effect of missense changes on protein structure and function are either unavailable or do not agree on the potential impact of this missense change (SIFT: "Not Available"; PolyPhen-2: "Benign"; Align-GVGD: "Not Available"). In summary, the available evidence is currently insufficient to determine the role of this variant in disease. Therefore, it has been classified as a Variant of Uncertain Significance. This sequence change replaces lysine, which is basic and polar, with arginine, which is basic and polar, at codon 587 of the ANK3 protein (p.Lys587Arg). This variant is present in population databases (no rsID available, gnomAD 0.002%).

NM_020987.5(ANK3):c.1760A>G (p.Lys587Arg)

Gene: ANK3 (ankyrin 3; minus strand). Cytogenetic location: 10q21.2.
Variant type: single nucleotide variant.
Coding change: c.1760A>G on transcript NM_020987.5 (MANE Select); coding-DNA position 1760, A replaced by G.
Protein change: p.Lys587Arg; replaces lysine 587 with arginine.
Molecular consequence: missense variant.
Genome position (GRCh38, 1-based): chr10:60,196,555, T>C on the plus strand (A>G on the coding strand, the complement: ANK3 is on the minus strand). VCF-style: chr10-60196555-T-C. GRCh37 (hg19) VCF-style: chr10-61956313-T-C.
Other names: c.1742A>G, p.Lys581Arg (NM_001204403.2); c.1709A>G, p.Lys570Arg (NM_001204404.2); c.1760A>G, p.Lys587Arg (NM_001320874.2); short protein forms K570R, K581R, K587R.
Identifiers: ClinVar variation 2094052 (VCV002094052.4), dbSNP rs1355441769, ClinGen allele CA376989136.